The following is an entry in ClinVar:

NM_001621.5(AHR):c.2050G>C (p.Glu684Gln)

Gene: AHR (aryl hydrocarbon receptor; plus strand). Cytogenetic location: 7p21.1.
Variant type: single nucleotide variant.
Coding change: c.2050G>C on transcript NM_001621.5 (MANE Select); coding-DNA position 2050, G replaced by C.
Protein change: p.Glu684Gln; replaces glutamic acid 684 with glutamine.
Molecular consequence: missense variant.
Genome position (GRCh38, 1-based): chr7:17,339,875, G>C. VCF-style: chr7-17339875-G-C. GRCh37 (hg19) VCF-style: chr7-17379499-G-C.
Other names: short protein forms E684Q.
Identifiers: ClinVar variation 1496394 (VCV001496394.8), dbSNP rs2115370227, ClinGen allele CA366895807.

ClinVar aggregate classification (germline): Uncertain significance (1 of 4 stars; one submission).

Submission:

Labcorp Genetics (formerly Invitae), Labcorp
Classification: Uncertain significance. Last evaluated: 2021-06-06. Review status: criteria provided, single submitter. Criteria: Invitae Variant Classification Sherloc (09022015). Collection method: clinical testing. Allele origin: germline.
Comment: In summary, the available evidence is currently insufficient to determine the role of this variant in disease. Therefore, it has been classified as a Variant of Uncertain Significance. Algorithms developed to predict the effect of missense changes on protein structure and function (SIFT, PolyPhen-2, Align-GVGD) all suggest that this variant is likely to be tolerated, but these predictions have not been confirmed by published functional studies and their clinical significance is uncertain. This variant has not been reported in the literature in individuals with AHR-related conditions. This variant is not present in population databases (ExAC no frequency). This sequence change replaces glutamic acid with glutamine at codon 684 of the AHR protein (p.Glu684Gln). The glutamic acid residue is highly conserved and there is a small physicochemical difference between glutamic acid and glutamine.